The following is an entry in ClinVar:

ClinVar aggregate classification (germline): Uncertain significance (1 of 4 stars; one submission).

Conditions:
Hereditary cancer-predisposing syndrome. Also called: Neoplastic Syndromes, Hereditary; Tumor predisposition; Hereditary neoplastic syndrome; Hereditary Cancer Syndrome. Identifiers: Orphanet 140162, MedGen C0027672, MeSH D009386, MONDO:0015356.

Submission:

Ambry Genetics
Classification: Uncertain significance for Hereditary cancer-predisposing syndrome. Last evaluated: 2026-07-07. Review status: criteria provided, single submitter. Criteria: Ambry Variant Classification Scheme 2023. Collection method: clinical testing. Allele origin: germline.
Comment: The p.R18M variant (also known as c.53G>T), located in coding exon 2 of the SDHAF2 gene, results from a G to T substitution at nucleotide position 53. The arginine at codon 18 is replaced by methionine, an amino acid with similar properties. This amino acid position is conserved. In addition, the in silico prediction for this alteration is inconclusive. Based on the available evidence, the clinical significance of this variant remains unclear.

NM_017841.4(SDHAF2):c.53G>T (p.Arg18Met)

Gene: SDHAF2 (succinate dehydrogenase complex assembly factor 2; plus strand). Cytogenetic location: 11q12.2.
Variant type: single nucleotide variant.
Coding change: c.53G>T on transcript NM_017841.4 (MANE Select); coding-DNA position 53, G replaced by T.
Protein change: p.Arg18Met; replaces arginine 18 with methionine.
Molecular consequence: missense variant.
Genome position (GRCh38, 1-based): chr11:61,437,641, G>T. VCF-style: chr11-61437641-G-T. GRCh37 (hg19) VCF-style: chr11-61205113-G-T.
Other names: short protein forms R18M.
Identifiers: ClinVar variation 5029239 (VCV005029239.1).